The following is an entry in ClinVar:

NM_001330063.2(ANKFY1):c.1593C>A (p.Ala531=)

Gene: ANKFY1 (ankyrin repeat and FYVE domain containing 1; minus strand). Cytogenetic location: 17p13.2.
Variant type: single nucleotide variant.
Coding change: c.1593C>A on transcript NM_001330063.2 (MANE Select); coding-DNA position 1593, C replaced by A.
Protein change: p.Ala531=; no amino-acid change (alanine 531 retained).
Molecular consequence: synonymous variant. On other transcripts: non-coding transcript variant (1).
Genome position (GRCh38, 1-based): chr17:4,184,924, G>T on the plus strand (C>A on the coding strand, the complement: ANKFY1 is on the minus strand). VCF-style: chr17-4184924-G-T. GRCh37 (hg19) VCF-style: chr17-4088219-G-T.
Other names: c.1719C>A, p.Ala573= (NM_001257999.3); c.1593C>A, p.Ala531= (NM_016376.5).
Identifiers: ClinVar variation 3046690 (VCV003046690.2), dbSNP rs779650795, ClinGen allele CA8301397.

ClinVar aggregate classification (germline): Likely benign (0 of 4 stars; one submission).

Conditions:
ANKFY1-related disorder. Also called: ANKFY1-related condition.

Allele frequency attached by ClinVar (database versions not stated): gnomAD 0.00003.
gnomAD v4.1: 26 of 1,613,952 alleles (0.0016%); highest among the groups gnomAD compares: Non-Finnish European, 0.002%; no homozygotes.

Submission:

PreventionGenetics, part of Exact Sciences
Classification: Likely benign for ANKFY1-related condition. Last evaluated: 2021-05-17. Review status: no assertion criteria provided. Collection method: clinical testing. Allele origin: germline.
Comment: This variant is classified as likely benign based on ACMG/AMP sequence variant interpretation guidelines (Richards et al. 2015 PMID: 25741868, with internal and published modifications).